The following is an entry in ClinVar:

NM_006019.4(TCIRG1):c.457C>T (p.Pro153Ser)

Gene: TCIRG1 (T cell immune regulator 1, ATPase H+ transporting V0 subunit a3; plus strand). Cytogenetic location: 11q13.2.
Variant type: single nucleotide variant.
Coding change: c.457C>T on transcript NM_006019.4 (MANE Select); coding-DNA position 457, C replaced by T.
Protein change: p.Pro153Ser; replaces proline 153 with serine.
Molecular consequence: missense variant. On other transcripts: 5 prime UTR variant (2).
Genome position (GRCh38, 1-based): chr11:68,042,985, C>T. VCF-style: chr11-68042985-C-T. GRCh37 (hg19) VCF-style: chr11-67810452-C-T.
Other names: c.-793C>T (NM_001351059.2); c.-531C>T (NM_006053.4); short protein forms P153S.
Identifiers: ClinVar variation 3709951 (VCV003709951.2).
Genomic context (GRCh38, chr11:68,042,985, plus strand): 5'-ATGGTGCTTCTGGGTTCCTAGCTGGCAGCCGCCCACACAGATGGGGCCTCAGAGAGGACG[C>T]CCCTGCTCCAGGCCCCCGGGGGGCCGCACCAGGACCTGAGGGTCAAGTGAGTGAGGGATG-3'
Protein context (NP_006010.2, residues 143-163): AHTDGASERT[Pro153Ser]LLQAPGGPHQ

ClinVar aggregate classification (germline): Uncertain significance (1 of 4 stars; one submission).

Submission:

Labcorp Genetics (formerly Invitae), Labcorp
Classification: Uncertain significance. Last evaluated: 2025-02-20. Review status: criteria provided, single submitter. Criteria: Invitae Variant Classification Sherloc (09022015). Collection method: clinical testing. Allele origin: germline.
Comment: This sequence change replaces proline, which is neutral and non-polar, with serine, which is neutral and polar, at codon 153 of the TCIRG1 protein (p.Pro153Ser). This variant is present in population databases (rs371138836, gnomAD 0.01%). This variant has not been reported in the literature in individuals affected with TCIRG1-related conditions. Invitae Evidence Modeling of protein sequence and biophysical properties (such as structural, functional, and spatial information, amino acid conservation, physicochemical variation, residue mobility, and thermodynamic stability) indicates that this missense variant is not expected to disrupt TCIRG1 protein function with a negative predictive value of 80%. In summary, the available evidence is currently insufficient to determine the role of this variant in disease. Therefore, it has been classified as a Variant of Uncertain Significance.